The following is an entry in ClinVar:

ClinVar aggregate classification (germline): Uncertain significance (1 of 4 stars; one submission).

Conditions:
Hereditary cancer-predisposing syndrome. Also called: Neoplastic Syndromes, Hereditary; Tumor predisposition; Hereditary Cancer Syndrome; Hereditary neoplastic syndrome. Identifiers: Orphanet 140162, MedGen C0027672, MeSH D009386, MONDO:0015356.

Submission:

Ambry Genetics
Classification: Uncertain significance for Hereditary cancer-predisposing syndrome. Last evaluated: 2022-01-19. Review status: criteria provided, single submitter. Criteria: Ambry Variant Classification Scheme 2023. Collection method: clinical testing. Allele origin: germline.
Comment: The p.L2456F variant (also known as c.7368G>T), located in coding exon 15 of the APC gene, results from a G to T substitution at nucleotide position 7368. The leucine at codon 2456 is replaced by phenylalanine, an amino acid with highly similar properties. This amino acid position is conserved. In addition, in silico predictors for this gene do not accurately predict pathogenicity. Since supporting evidence is limited at this time, the clinical significance of this alteration remains unclear.

NM_000038.6(APC):c.7368G>T (p.Leu2456Phe)

Gene: APC (APC regulator of Wnt signaling pathway; plus strand). Cytogenetic location: 5q22.2.
Variant type: single nucleotide variant.
Coding change: c.7368G>T on transcript NM_000038.6 (MANE Select); coding-DNA position 7368, G replaced by T.
Protein change: p.Leu2456Phe; replaces leucine 2456 with phenylalanine.
Molecular consequence: missense variant.
Genome position (GRCh38, 1-based): chr5:112,842,962, G>T. VCF-style: chr5-112842962-G-T. GRCh37 (hg19) VCF-style: chr5-112178659-G-T.
Other names: c.7368G>T, p.Leu2456Phe (NM_001127510.3, NM_001354895.2, NM_001407450.1); c.7314G>T, p.Leu2438Phe (NM_001127511.3); c.7422G>T, p.Leu2474Phe (NM_001354896.2, NM_001407447.1, NM_001407448.1 and 1 more transcripts); c.7398G>T, p.Leu2466Phe (NM_001354897.2); c.7293G>T, p.Leu2431Phe (NM_001354898.2); c.7284G>T, p.Leu2428Phe (NM_001354899.2); c.7245G>T, p.Leu2415Phe (NM_001354900.2); c.7191G>T, p.Leu2397Phe (NM_001354901.2, NM_001407453.1); and 11 more; short protein forms L2072F, L2365F, L2449F, L2466F, L2474F, L2296F, L2330F, L2415F.
Identifiers: ClinVar variation 1758540 (VCV001758540.2), dbSNP rs2149985463, ClinGen allele CA16037380.